The following is an entry in ClinVar:

ClinVar aggregate classification (germline): Uncertain significance (1 of 4 stars; one submission).

Allele frequency attached by ClinVar (database versions not stated): gnomAD exomes below 0.00001; ExAC 0.00001.
gnomAD v4.1: 1 of 1,614,038 alleles (0.000062%); highest among the groups gnomAD compares: Non-Finnish European, 0.000085%; no homozygotes.

Submission:

Labcorp Genetics (formerly Invitae), Labcorp
Classification: Uncertain significance. Last evaluated: 2022-07-06. Review status: criteria provided, single submitter. Criteria: Invitae Variant Classification Sherloc (09022015). Collection method: clinical testing. Allele origin: germline.
Comment: In summary, the available evidence is currently insufficient to determine the role of this variant in disease. Therefore, it has been classified as a Variant of Uncertain Significance. Algorithms developed to predict the effect of missense changes on protein structure and function are either unavailable or do not agree on the potential impact of this missense change (SIFT: "Not Available"; PolyPhen-2: "Probably Damaging"; Align-GVGD: "Not Available"). ClinVar contains an entry for this variant (Variation ID: 1473217). This variant has not been reported in the literature in individuals affected with CDH3-related conditions. This variant is present in population databases (rs760768323, gnomAD 0.0009%). This sequence change replaces glycine, which is neutral and non-polar, with aspartic acid, which is acidic and polar, at codon 530 of the CDH3 protein (p.Gly530Asp).

NM_001793.6(CDH3):c.1589G>A (p.Gly530Asp)

Gene: CDH3 (cadherin 3; plus strand). Cytogenetic location: 16q22.1.
Variant type: single nucleotide variant.
Coding change: c.1589G>A on transcript NM_001793.6 (MANE Select); coding-DNA position 1589, G replaced by A.
Protein change: p.Gly530Asp; replaces glycine 530 with aspartic acid.
Molecular consequence: missense variant.
Genome position (GRCh38, 1-based): chr16:68,687,530, G>A. VCF-style: chr16-68687530-G-A. GRCh37 (hg19) VCF-style: chr16-68721433-G-A.
Other names: c.1589G>A, p.Gly530Asp (NM_001317195.3); c.1424G>A, p.Gly475Asp (NM_001317196.2); short protein forms G530D, G475D.
Identifiers: ClinVar variation 1473217 (VCV001473217.8), dbSNP rs760768323, ClinGen allele CA8129418.